The following is an entry in ClinVar:

ClinVar aggregate classification (germline): Uncertain significance. Review status: criteria provided, multiple submitters, no conflicts (2 of 4 stars). 5 submissions from 5 submitters: Uncertain significance (5). Last evaluated 2024-11-19.

Conditions:
LRP2-related disorder. Also called: LRP2-related condition.
Donnai-Barrow syndrome. Also called: FACIOOCULOACOUSTICORENAL SYNDROME; DBS/FOAR SYNDROME. Identifiers: Orphanet 2143, MedGen C1857277, MONDO:0009104, OMIM 222448.

Allele frequency attached by ClinVar (database versions not stated): gnomAD 0.00002; TOPMed 0.00002; ExAC 0.00004; gnomAD exomes 0.00004 and 0.00009.
gnomAD v4.1: 128 of 1,613,888 alleles (0.0079%); highest among the groups gnomAD compares: Non-Finnish European, 0.0093%; no homozygotes.

Submissions (5):

PreventionGenetics, part of Exact Sciences
Classification: Uncertain significance for LRP2-related condition. Last evaluated: 2024-11-19. Review status: criteria provided, single submitter. Criteria: ACMG Guidelines, 2015. Collection method: clinical testing. Allele origin: germline.
Comment: The LRP2 c.910G>A variant is predicted to result in the amino acid substitution p.Gly304Arg. To our knowledge, this variant has not been reported in the literature. This variant is reported in 0.0080% of alleles in individuals of European (Finnish) descent in gnomAD. At this time, the clinical significance of this variant is uncertain due to the absence of conclusive functional and genetic evidence.

Fulgent Genetics
Classification: Uncertain significance for Donnai-Barrow syndrome. Last evaluated: 2024-06-24. Review status: criteria provided, single submitter. Criteria: ACMG Guidelines, 2015. Collection method: clinical testing. Allele origin: germline.

Genome-Nilou Lab
Classification: Uncertain significance for Donnai-Barrow syndrome. Last evaluated: 2021-07-15. Review status: criteria provided, single submitter. Criteria: ACMG Guidelines, 2015. Collection method: clinical testing. Allele origin: germline. Affected: no.

GeneDx
Classification: Uncertain significance. Last evaluated: 2021-05-25. Review status: criteria provided, single submitter. Criteria: GeneDx Variant Classification Process June 2021. Collection method: clinical testing. Allele origin: germline. Affected: yes.
Comment: In silico analysis, which includes protein predictors and evolutionary conservation, supports a deleterious effect; Has not been previously published as pathogenic or benign to our knowledge

Genetic Services Laboratory, University of Chicago
Classification: Uncertain significance. Last evaluated: 2014-03-13. Review status: criteria provided, single submitter. Criteria: ACMG Guidelines, 2007. Collection method: clinical testing. Allele origin: germline. Inheritance: Autosomal recessive inheritance.

NM_004525.3(LRP2):c.910G>A (p.Gly304Arg)

Gene: LRP2 (LDL receptor related protein 2; minus strand). Cytogenetic location: 2q31.1.
Variant type: single nucleotide variant.
Coding change: c.910G>A on transcript NM_004525.3 (MANE Select); coding-DNA position 910, G replaced by A.
Protein change: p.Gly304Arg; replaces glycine 304 with arginine.
Molecular consequence: missense variant.
Genome position (GRCh38, 1-based): chr2:169,290,857, C>T on the plus strand (G>A on the coding strand, the complement: LRP2 is on the minus strand). VCF-style: chr2-169290857-C-T. GRCh37 (hg19) VCF-style: chr2-170147367-C-T.
Other names: short protein forms G304R.
Identifiers: ClinVar variation 129544 (VCV000129544.12), dbSNP rs570052630, ClinGen allele CA231261.